The following is an entry in ClinVar:

ClinVar aggregate classification (germline): Uncertain significance (1 of 4 stars; one submission).

Conditions:
Familial cold autoinflammatory syndrome 3 (FCAS3). Also called: FAMILIAL ATYPICAL COLD URTICARIA; ANTIBODY DEFICIENCY AND IMMUNE DYSREGULATION, PLCG2-ASSOCIATED. Identifiers: Orphanet 300359, MedGen C3280914, MONDO:0013766, OMIM 614468.

Submission:

Labcorp Genetics (formerly Invitae), Labcorp
Classification: Uncertain significance for Familial cold autoinflammatory syndrome 3. Last evaluated: 2025-07-21. Review status: criteria provided, single submitter. Criteria: Invitae Variant Classification Sherloc (09022015). Collection method: clinical testing. Allele origin: germline.
Comment: This sequence change falls in intron 29 of the PLCG2 gene. It does not directly change the encoded amino acid sequence of the PLCG2 protein. This variant is present in population databases (no rsID available, gnomAD 0.01%). This variant has not been reported in the literature in individuals affected with PLCG2-related conditions. Algorithms developed to predict the effect of sequence changes on RNA splicing suggest that this variant may disrupt the consensus splice site. In summary, the available evidence is currently insufficient to determine the role of this variant in disease. Therefore, it has been classified as a Variant of Uncertain Significance.

NM_002661.5(PLCG2):c.3313+3_3313+6dup

Gene: PLCG2 (phospholipase C gamma 2; plus strand). Cytogenetic location: 16q23.3.
Variant type: Duplication.
Coding change: c.3313+3_3313+6dup on transcript NM_002661.5 (MANE Select); bases 3 to 6 of the intron after coding-DNA position 3313, 4 bases duplicated (AAGT; older notation c.3313+3_3313+6dupAAGT).
Molecular consequence: splice donor variant.
Genome position (GRCh38, 1-based): chr16:81,938,918-81,938,921, AAGT duplicated; duplicating any 4 consecutive bases within chr16:81,938,915-81,938,921 gives the same sequence; the c. name uses the placement nearest the transcript's 3' end. VCF-style (leftmost placement, unchanged base first): chr16-81938914-G-GAGTA. GRCh37 (hg19) VCF-style: chr16-81972519-G-GAGTA.
Other names: c.3313+3_3313+6dup (NM_001425751.1, NM_001425749.1, NM_001425750.1).
Identifiers: ClinVar variation 4755323 (VCV004755323.1).